The following is an entry in ClinVar:

ClinVar aggregate classification (germline): Likely benign (1 of 4 stars; one submission).

gnomAD v4.1: 5,880 of 983,574 alleles (0.6%); highest among the groups gnomAD compares: Non-Finnish European, 0.67%; 16 homozygotes.

Submission:

Mayo Clinic Laboratories, Mayo Clinic
Classification: Likely benign. Last evaluated: 2024-12-26. Review status: criteria provided, single submitter. Criteria: ACMG Guidelines, 2015. Collection method: clinical testing. Allele origin: germline. Observed: 7 variant alleles.
Comment: BP4, BP7

NM_005475.3(SH2B3):c.733-1840G>C

Gene: SH2B3 (SH2B adaptor protein 3; plus strand). Cytogenetic location: 12q24.12.
Variant type: single nucleotide variant.
Coding change: c.733-1840G>C on transcript NM_005475.3 (MANE Select); 1840 bases into the intron before coding-DNA position 733, G replaced by C.
Molecular consequence: intron variant.
Genome position (GRCh38, 1-based): chr12:111,444,913, G>C. VCF-style: chr12-111444913-G-C. GRCh37 (hg19) VCF-style: chr12-111882717-G-C.
Other names: p.?; c.127-1840G>C (NM_001291424.1).
Identifiers: ClinVar variation 4683774 (VCV004683774.1).